The following is an entry in ClinVar:

ClinVar aggregate classification (germline): Uncertain significance (1 of 4 stars; one submission).

Submission:

GeneDx
Classification: Uncertain significance. Last evaluated: 2026-02-26. Review status: criteria provided, single submitter. Criteria: GeneDx Variant Classification Process June 2021. Collection method: clinical testing. Allele origin: germline.
Comment: Not observed at significant frequency in large population cohorts (gnomAD); In silico analysis suggests that this missense variant does not alter protein structure/function; Has not been previously published as pathogenic or benign to our knowledge; This variant is associated with the following publications: (PMID: 25512093, 25609763, 26100331)

NM_001376.5(DYNC1H1):c.13882A>T (p.Thr4628Ser)

Gene: DYNC1H1 (dynein cytoplasmic 1 heavy chain 1; plus strand). Cytogenetic location: 14q32.31.
Variant type: single nucleotide variant.
Coding change: c.13882A>T on transcript NM_001376.5 (MANE Select); coding-DNA position 13882, A replaced by T.
Protein change: p.Thr4628Ser; replaces threonine 4628 with serine.
Molecular consequence: missense variant.
Genome position (GRCh38, 1-based): chr14:102,050,504, A>T. VCF-style: chr14-102050504-A-T. GRCh37 (hg19) VCF-style: chr14-102516841-A-T.
Other names: short protein forms T4628S.
Identifiers: ClinVar variation 5010106 (VCV005010106.1).
Genomic context (GRCh38, chr14:102,050,504, plus strand): 5'-CCTGTCTACCTGAACTTCACCCGTGCAGACCTCATCTTCACCGTGGACTTCGAAATTGCT[A>T]CAAAGGAGGATCCTCGCAGCTTCTACGAGCGGGGTGTCGCAGTCTTGTGCACAGAGTAAA-3'
Protein context (NP_001367.2, residues 4618-4638): LIFTVDFEIA[Thr4628Ser]KEDPRSFYER